The following is an entry in ClinVar:

NM_182961.4(SYNE1):c.12585G>A (p.Lys4195=)

Gene: SYNE1 (spectrin repeat containing nuclear envelope protein 1; minus strand). Cytogenetic location: 6q25.2.
Variant type: single nucleotide variant.
Coding change: c.12585G>A on transcript NM_182961.4 (MANE Select); coding-DNA position 12585, G replaced by A.
Protein change: p.Lys4195=; no amino-acid change (lysine 4195 retained).
Molecular consequence: synonymous variant.
Genome position (GRCh38, 1-based): chr6:152,334,217, C>T on the plus strand (G>A on the coding strand, the complement: SYNE1 is on the minus strand). VCF-style: chr6-152334217-C-T. GRCh37 (hg19) VCF-style: chr6-152655352-C-T.
Other names: c.12372G>A, p.Lys4124= (NM_033071.5).
Identifiers: ClinVar variation 288425 (VCV000288425.42), dbSNP rs149536991, ClinGen allele CA4056352.

ClinVar aggregate classification (germline): Conflicting classifications of pathogenicity. Review status: criteria provided, conflicting classifications (1 of 4 stars). 5 submissions from 5 submitters: Uncertain significance (1); Likely benign (3). 1 of the submissions does not count toward it. Last evaluated 2025-05-27.

Conditions:
Emery-Dreifuss muscular dystrophy 4, autosomal dominant (EDMD4). Also called: EMERY-DREIFUSS MUSCULAR DYSTROPHY 4 WITH VARIABLE FEATURES. Identifiers: Orphanet 261, MedGen C2751807, MONDO:0013071, OMIM 612998.
Autosomal recessive ataxia, Beauce type. Also called: SYNE1 Deficiency; SYNE1-Related Autosomal Recessive Cerebellar Ataxia; ATAXIA, RECESSIVE, OF BEAUCE; Spinocerebellar ataxia, autosomal recessive 8. Identifiers: Orphanet 88644, MedGen C1853116, MONDO:0012549, OMIM 610743.

Allele frequency attached by ClinVar (database versions not stated): TOPMed 0.00009.
gnomAD v4.1: 51 of 1,613,902 alleles (0.0032%); highest among the groups gnomAD compares: Middle Eastern, 0.016%; no homozygotes.

Submissions (5):

Labcorp Genetics (formerly Invitae), Labcorp
Classification: Likely benign for Emery-Dreifuss muscular dystrophy 4, autosomal dominant; Autosomal recessive ataxia, Beauce type. Last evaluated: 2025-05-27. Review status: criteria provided, single submitter. Criteria: Invitae Variant Classification Sherloc (09022015). Collection method: clinical testing. Allele origin: germline.

Athena Diagnostics
Classification: Likely benign. Last evaluated: 2025-02-06. Review status: criteria provided, single submitter. Criteria: Athena Diagnostics Criteria. Collection method: clinical testing. Allele origin: unknown.
Comment: Computational tools yielded predictions that this variant is unlikely to have an effect on normal RNA splicing. This nucleotide position exhibits low evolutionary conservation.

CeGaT Center for Human Genetics Tuebingen
Classification: Likely benign. Last evaluated: 2023-09-01. Review status: criteria provided, single submitter. Criteria: CeGaT Center For Human Genetics Tuebingen Variant Classification Criteria Version 2. Collection method: clinical testing. Allele origin: germline. Affected: yes. Observed: 1 variant allele.
Comment: SYNE1: BP4, BP7

Eurofins Ntd Llc (ga)
Classification: Uncertain significance. Last evaluated: 2016-06-30. Review status: criteria provided, single submitter. Criteria: EGL Classification Definitions 2015. Collection method: clinical testing. Allele origin: germline. Observed: 2 variant alleles, 2 heterozygotes.

Department of Pathology and Laboratory Medicine, Sinai Health System
Classification: Uncertain significance. Review status: no assertion criteria provided. Collection method: clinical testing. Allele origin: unknown. Affected: yes. Study: The Canadian Open Genetics Repository (COGR). Not counted in ClinVar's aggregate classification.
Comment: The SYNE1 p.Lys4195Lys variant was not identified in the literature but was identified in dbSNP (ID: rs149536991) and ClinVar (classified as uncertain significance by EGL Genetics). The variant was identified in control databases in 10 of 250988 chromosomes at a frequency of 0.00003984 (Genome Aggregation Database March 6, 2019, v2.1.1). The variant was observed in the following populations: European (non-Finnish) in 9 of 113376 chromosomes (freq: 0.000079) and Latino in 1 of 34574 chromosomes (freq: 0.000029), but was not observed in the African, Ashkenazi Jewish, East Asian, European (Finnish), Other, or South Asian populations. The p.Lys4195Lys variant is not expected to have clinical significance because it does not result in a change of amino acid and is not located in a known consensus splice site. However three of four in silico or computational prediction software programs (SpliceSiteFinder, MaxEntScan, NNSPLICE, GeneSplicer) predict a greater than 10% difference in splicing. However, this information is not predictive enough to assume pathogenicity. In summary, based on the above information the clinical significance of this variant cannot be determined with certainty at this time. This variant is classified as a variant of uncertain significance.